The following is an entry in ClinVar:

ClinVar aggregate classification (germline): Benign. Review status: criteria provided, multiple submitters, no conflicts (2 of 4 stars). 3 submissions from 2 submitters: Benign (3). Last evaluated 2018-01-13.

Conditions:
Ocular cystinosis. Also called: Non-Nephropathic (Ocular) Cystinosis; Non-Nephropathic Cystinosis. Identifiers: Orphanet 213, Orphanet 411641, MedGen C2931013, MONDO:0009064, OMIM 219750.
Nephropathic cystinosis (CTNS). Also called: CYSTINOSIN, DEFECT OF; LYSOSOMAL CYSTINE TRANSPORT PROTEIN, DEFECT OF; Abderhalden Lignac Kaufmann disease; Abderhalden-Kaufmann-Lignac syndrome. Identifiers: Orphanet 213, Orphanet 411629, MedGen C2931187, MONDO:0100151, OMIM 219800.

Allele frequency attached by ClinVar (database versions not stated): gnomAD exomes 0.12467; TOPMed 0.18829; gnomAD 0.19015 and 0.19273; 1000 Genomes Project 0.19469; 1000 Genomes Project 30x 0.19488.
gnomAD v4.1: 29,174 of 152,300 alleles (19%); highest among the groups gnomAD compares: East Asian, 23%; 3,094 homozygotes.

Submissions (3):

Illumina Laboratory Services, Illumina
Classification: Benign for Nephropathic cystinosis. Last evaluated: 2018-01-13. Review status: criteria provided, single submitter. Criteria: ICSL Variant Classification Criteria 13 December 2019. Collection method: clinical testing. Allele origin: germline.
Comment: This variant was observed in the ICSL laboratory as part of a predisposition screen in an ostensibly healthy population. It had not been previously curated by ICSL or reported in the Human Gene Mutation Database (HGMD: prior to June 1st, 2018), and was therefore a candidate for classification through an automated scoring system. Utilizing variant allele frequency, disease prevalence and penetrance estimates, and inheritance mode, an automated score was calculated to assess if this variant is too frequent to cause the disease. Based on the score and internal cut-off values, a variant classified as benign is not then subjected to further curation. The score for this variant resulted in a classification of benign for this disease.

Illumina Laboratory Services, Illumina
Classification: Benign for Ocular cystinosis. Last evaluated: 2018-01-13. Review status: criteria provided, single submitter. Criteria: ICSL Variant Classification Criteria 13 December 2019. Collection method: clinical testing. Allele origin: germline.
Comment: the same text as in the submission from Illumina Laboratory Services, Illumina above.

Breakthrough Genomics
Classification: Benign. Review status: criteria provided, single submitter. Criteria: ACMG Guidelines, 2015. Collection method: not provided. Allele origin: germline. Inheritance: Autosomal recessive inheritance. Affected: yes.

NM_004937.3(CTNS):c.*1024C>T

Gene: CTNS (cystinosin, lysosomal cystine transporter; plus strand). Cytogenetic location: 17p13.2.
Variant type: single nucleotide variant.
Coding change: c.*1024C>T on transcript NM_004937.3 (MANE Select); 1024 bases downstream of the stop codon, C replaced by T.
Molecular consequence: 3 prime UTR variant.
Genome position (GRCh38, 1-based): chr17:3,661,393, C>T. VCF-style: chr17-3661393-C-T. GRCh37 (hg19) VCF-style: chr17-3564687-C-T.
Other names: c.*659C>T (NM_001031681.3, NM_001374492.1); c.*1024C>T (NM_001374493.1, NM_001374494.1, NM_001374495.1 and 1 more transcripts).
Identifiers: ClinVar variation 322871 (VCV000322871.6), dbSNP rs1048673, ClinGen allele CA10649956.
Genomic context (GRCh38, chr17:3,661,393, plus strand): 5'-AGACCACCTCACACAATCTGTATGGGCCCAACCCTGATCTCAAACCTCCTTCCCTCTGCC[C>T]AAAGCTGTCCTTCCTATGGCAGGAGGGGTGGGGGTCCCAGGACGTGCCTCATACATGACT-3'